The following is an entry in ClinVar:

NM_001281740.3(FHOD3):c.742A>G (p.Met248Val)

Gene: FHOD3 (formin homology 2 domain containing 3; plus strand). Cytogenetic location: 18q12.2.
Variant type: single nucleotide variant.
Coding change: c.742A>G on transcript NM_001281740.3 (MANE Select); coding-DNA position 742, A replaced by G.
Protein change: p.Met248Val; replaces methionine 248 with valine.
Molecular consequence: missense variant.
Genome position (GRCh38, 1-based): chr18:36,602,697, A>G. VCF-style: chr18-36602697-A-G. GRCh37 (hg19) VCF-style: chr18-34182660-A-G.
Other names: c.742A>G, p.Met248Val (NM_001281739.3, NM_025135.5); short protein forms M248V.
Identifiers: ClinVar variation 4988211 (VCV004988211.1).

ClinVar aggregate classification (germline): Uncertain significance (1 of 4 stars; one submission).

Conditions:
FHOD3-related disorder. Also called: FHOD3-related condition.

gnomAD v4.1: 13 of 1,614,048 alleles (0.00081%); highest among the groups gnomAD compares: Non-Finnish European, 0.0011%; no homozygotes.

Submission:

PreventionGenetics, part of Exact Sciences
Classification: Uncertain significance for FHOD3-related condition. Last evaluated: 2026-06-26. Review status: criteria provided, single submitter. Criteria: ACMG Guidelines, 2015. Collection method: clinical testing. Allele origin: germline.
Comment: The FHOD3 c.742A>G variant is predicted to result in the amino acid substitution p.Met248Val. To our knowledge, this variant has not been reported in the literature or in a large population database (gnomAD), indicating this variant is rare. At this time, the clinical significance of this variant is uncertain due to the absence of conclusive functional and genetic evidence.